The following is an entry in ClinVar:

ClinVar aggregate classification (germline): Likely benign (1 of 4 stars; one submission).

Allele frequency attached by ClinVar (database versions not stated): gnomAD exomes 0.00008; gnomAD 0.00013; TOPMed 0.00021; ExAC 0.00028; 1000 Genomes Project 30x 0.00078; 1000 Genomes Project 0.00100.
gnomAD v4.1: 134 of 1,583,250 alleles (0.0085%); highest among the groups gnomAD compares: East Asian, 0.27%; no homozygotes.

Submission:

CeGaT Center for Human Genetics Tuebingen
Classification: Likely benign. Last evaluated: 2024-07-01. Review status: criteria provided, single submitter. Criteria: CeGaT Center For Human Genetics Tuebingen Variant Classification Criteria Version 2. Collection method: clinical testing. Allele origin: germline. Affected: yes. Observed: 2 variant alleles.
Comment: UGDH: BP4, BP7

NM_003359.4(UGDH):c.213T>C (p.Phe71=)

Gene: UGDH (UDP-glucose 6-dehydrogenase; minus strand). Cytogenetic location: 4p14.
Variant type: single nucleotide variant.
Coding change: c.213T>C on transcript NM_003359.4 (MANE Select); coding-DNA position 213, T replaced by C.
Protein change: p.Phe71=; no amino-acid change (phenylalanine 71 retained).
Molecular consequence: synonymous variant. On other transcripts: 5 prime UTR variant (1).
Genome position (GRCh38, 1-based): chr4:39,514,134, A>G on the plus strand (T>C on the coding strand, the complement: UGDH is on the minus strand). VCF-style: chr4-39514134-A-G. GRCh37 (hg19) VCF-style: chr4-39515754-A-G.
Other names: c.213T>C, p.Phe71= (NM_001184700.2); c.-79T>C (NM_001184701.2).
Identifiers: ClinVar variation 2654732 (VCV002654732.24), dbSNP rs199867239, ClinGen allele CA2895205.
Genomic context (GRCh38, chr4:39,514,134, plus strand): 5'-AATACTTACAGAAATAAATACAAGATCAGCTTCTTTGATGGCATCATCAATATTGGTAGA[A>G]AAAAAAAGATTTTTTCCTCGACAGGATTCTACCACTTCTTTTAGTCCTGGCTAAAAAGAA-3'
Protein context (NP_003350.1, residues 61-81): VESCRGKNLF[Phe71=]STNIDDAIKE